The following is an entry in ClinVar:

NM_206933.4(USH2A):c.2185T>C (p.Cys729Arg)

Gene: USH2A (usherin; minus strand). Cytogenetic location: 1q41.
Variant type: single nucleotide variant.
Coding change: c.2185T>C on transcript NM_206933.4 (MANE Select); coding-DNA position 2185, T replaced by C.
Protein change: p.Cys729Arg; replaces cysteine 729 with arginine.
Molecular consequence: missense variant.
Genome position (GRCh38, 1-based): chr1:216,247,209, A>G on the plus strand (T>C on the coding strand, the complement: USH2A is on the minus strand). VCF-style: chr1-216247209-A-G. GRCh37 (hg19) VCF-style: chr1-216420551-A-G.
Other names: c.2185T>C, p.Cys729Arg (NM_007123.6); short protein forms C729R.
Identifiers: ClinVar variation 1470247 (VCV001470247.36), dbSNP rs2102546492, ClinGen allele CA344865700.

ClinVar aggregate classification (germline): Uncertain significance. Review status: criteria provided, multiple submitters, no conflicts (2 of 4 stars). 5 submissions from 4 submitters: Uncertain significance (5). Last evaluated 2024-02-01.

Conditions:
Usher syndrome type 2A. Also called: RETINAL DISEASE IN USHER SYNDROME TYPE IIA, MODIFIER OF; USHER SYNDROME, TYPE IIA. Identifiers: Orphanet 231178, Orphanet 886, MedGen C1848634, MONDO:0010169, OMIM 276901.
Retinitis pigmentosa 39 (RP39). Identifiers: Orphanet 791, MedGen C3151138, MONDO:0013436, OMIM 613809.

Submissions (5):

CeGaT Center for Human Genetics Tuebingen
Classification: Uncertain significance. Last evaluated: 2024-02-01. Review status: criteria provided, single submitter. Criteria: CeGaT Center For Human Genetics Tuebingen Variant Classification Criteria Version 2. Collection method: clinical testing. Allele origin: germline. Affected: yes. Observed: 2 variant alleles.
Comment: USH2A: PM2, PP3

Genome-Nilou Lab
Classification: Uncertain significance for Retinitis pigmentosa 39. Last evaluated: 2023-11-04. Review status: criteria provided, single submitter. Criteria: ACMG Guidelines, 2015. Collection method: clinical testing. Allele origin: germline. Affected: no.

Genome-Nilou Lab
Classification: Uncertain significance for Usher syndrome type 2A. Last evaluated: 2023-11-04. Review status: criteria provided, single submitter. Criteria: ACMG Guidelines, 2015. Collection method: clinical testing. Allele origin: germline. Affected: no.

Labcorp Genetics (formerly Invitae), Labcorp
Classification: Uncertain significance. Last evaluated: 2021-09-01. Review status: criteria provided, single submitter. Criteria: Invitae Variant Classification Sherloc (09022015). Collection method: clinical testing. Allele origin: germline.
Comment: This sequence change replaces cysteine with arginine at codon 729 of the USH2A protein (p.Cys729Arg). The cysteine residue is highly conserved and there is a large physicochemical difference between cysteine and arginine. This variant is not present in population databases (ExAC no frequency). This missense change has been observed in individual(s) with clinical features of retinitis pigmentosa (Invitae). Algorithms developed to predict the effect of missense changes on protein structure and function (SIFT, PolyPhen-2, Align-GVGD) all suggest that this variant is likely to be disruptive. In summary, the available evidence is currently insufficient to determine the role of this variant in disease. Therefore, it has been classified as a Variant of Uncertain Significance.

Blueprint Genetics
Classification: Uncertain significance. Last evaluated: 2019-10-04. Review status: criteria provided, single submitter. Criteria: ACMG Guidelines, 2015. Collection method: clinical testing. Allele origin: germline.